The following is an entry in ClinVar:

ClinVar aggregate classification (germline): Benign/Likely benign. Review status: criteria provided, multiple submitters, no conflicts (2 of 4 stars). 3 submissions from 3 submitters: Benign (1); Likely benign (2). Last evaluated 2026-05-21.

Conditions:
Neurofibromatosis, type 1 (NF1). Also called: Peripheral type neurofibromatosis; NEUROFIBROMATOSIS, TYPE I, SOMATIC; VON RECKLINGHAUSEN DISEASE; Neurofibromatosis, type I. Identifiers: Orphanet 636, MedGen C0027831, MONDO:0018975, OMIM 162200. Disease mechanism: loss of function.
Cardiovascular phenotype. Identifiers: MedGen CN230736.
Hereditary cancer-predisposing syndrome. Also called: Neoplastic Syndromes, Hereditary; Tumor predisposition; Hereditary Cancer Syndrome; Hereditary neoplastic syndrome. Identifiers: Orphanet 140162, MedGen C0027672, MeSH D009386, MONDO:0015356.

gnomAD v4.1: 3 of 1,614,148 alleles (0.00019%); highest among the groups gnomAD compares: Non-Finnish European, 0.00025%; no homozygotes.

Submissions (3):

Myriad Genetics, Inc.
Classification: Benign for Neurofibromatosis, type 1. Last evaluated: 2026-05-21. Review status: criteria provided, single submitter. Criteria: Myriad Autosomal Dominant, Autosomal Recessive and X-Linked Classification Criteria (2023). Collection method: clinical testing. Allele origin: unknown.
Comment: This variant is considered benign. This variant is a silent/synonymous amino acid change and it is not expected to impact splicing.

Ambry Genetics
Classification: Likely benign for Cardiovascular phenotype; Hereditary cancer-predisposing syndrome. Last evaluated: 2023-03-24. Review status: criteria provided, single submitter. Criteria: Ambry Variant Classification Scheme 2023. Collection method: clinical testing. Allele origin: germline.

Labcorp Genetics (formerly Invitae), Labcorp
Classification: Likely benign for Neurofibromatosis, type 1. Last evaluated: 2022-07-19. Review status: criteria provided, single submitter. Criteria: Invitae Variant Classification Sherloc (09022015). Collection method: clinical testing. Allele origin: germline.

NM_001042492.3(NF1):c.6594T>C (p.Ala2198=)

Gene: NF1 (neurofibromin 1; plus strand). Cytogenetic location: 17q11.2.
Variant type: single nucleotide variant.
Coding change: c.6594T>C on transcript NM_001042492.3 (MANE Select); coding-DNA position 6594, T replaced by C.
Protein change: p.Ala2198=; no amino-acid change (alanine 2198 retained).
Molecular consequence: synonymous variant.
Genome position (GRCh38, 1-based): chr17:31,337,534, T>C. VCF-style: chr17-31337534-T-C. GRCh37 (hg19) VCF-style: chr17-29664552-T-C.
Other names: c.6531T>C, p.Ala2177= (NM_000267.4).
Identifiers: ClinVar variation 1141840 (VCV001141840.9), dbSNP rs2151556493, ClinGen allele CA499234129.
Genomic context (GRCh38, chr17:31,337,534, plus strand): 5'-CCGTTCCAGTTACCGGGACAGGTCATTCTCTCCTGGCTCCTATGAGAGAGAGACTTTTGC[T>C]TTGACATCCTTGGAAACAGTCACAGAAGCTTTGTTGGAGATCATGGAGGTATAGAAGCCA-3'
Protein context (NP_001035957.1, residues 2188-2208): SPGSYERETF[Ala2198=]LTSLETVTEA